The following is an entry in ClinVar:

ClinVar aggregate classification (germline): Uncertain significance (1 of 4 stars; one submission).

Allele frequency attached by ClinVar (database versions not stated): TOPMed 0.00001; ExAC 0.00003; 1000 Genomes Project 30x 0.00016; 1000 Genomes Project 0.00020.

Submission:

Labcorp Genetics (formerly Invitae), Labcorp
Classification: Uncertain significance. Last evaluated: 2025-01-15. Review status: criteria provided, single submitter. Criteria: Invitae Variant Classification Sherloc (09022015). Collection method: clinical testing. Allele origin: germline.
Comment: This sequence change replaces proline, which is neutral and non-polar, with leucine, which is neutral and non-polar, at codon 862 of the MERTK protein (p.Pro862Leu). This variant is present in population databases (rs537239403, gnomAD 0.06%). This variant has not been reported in the literature in individuals affected with MERTK-related conditions. ClinVar contains an entry for this variant (Variation ID: 1927640). An algorithm developed to predict the effect of missense changes on protein structure and function outputs the following: PolyPhen-2: "Benign". The leucine amino acid residue is found in multiple mammalian species, which suggests that this missense change does not adversely affect protein function. In summary, the available evidence is currently insufficient to determine the role of this variant in disease. Therefore, it has been classified as a Variant of Uncertain Significance.

NM_006343.3(MERTK):c.2585C>T (p.Pro862Leu)

Gene: MERTK (MER proto-oncogene, tyrosine kinase; plus strand). Cytogenetic location: 2q13.
Variant type: single nucleotide variant.
Coding change: c.2585C>T on transcript NM_006343.3 (MANE Select); coding-DNA position 2585, C replaced by T.
Protein change: p.Pro862Leu; replaces proline 862 with leucine.
Molecular consequence: missense variant.
Genome position (GRCh38, 1-based): chr2:112,028,449, C>T. VCF-style: chr2-112028449-C-T. GRCh37 (hg19) VCF-style: chr2-112786026-C-T.
Other names: short protein forms P862L.
Identifiers: ClinVar variation 1927640 (VCV001927640.5), dbSNP rs537239403, ClinGen allele CA1831928.
Genomic context (GRCh38, chr2:112,028,449, plus strand): 5'-TAGACCGCCCCACCTTTTCAGTATTGAGGCTGCAGCTAGAAAAACTCTTAGAAAGTTTGC[C>T]TGACGTTCGGAACCAAGCAGACGTTATTTACGTCAATACACAGTTGCTGGAGAGCTCTGA-3'
Protein context (NP_006334.2, residues 852-872): LQLEKLLESL[Pro862Leu]DVRNQADVIY